The following is an entry in ClinVar:

NM_004958.4(MTOR):c.2055A>G (p.Ala685=)

Gene: MTOR (mechanistic target of rapamycin kinase; minus strand). Cytogenetic location: 1p36.22.
Variant type: single nucleotide variant.
Coding change: c.2055A>G on transcript NM_004958.4 (MANE Select); coding-DNA position 2055, A replaced by G.
Protein change: p.Ala685=; no amino-acid change (alanine 685 retained).
Molecular consequence: synonymous variant.
Genome position (GRCh38, 1-based): chr1:11,237,996, T>C on the plus strand (A>G on the coding strand, the complement: MTOR is on the minus strand). VCF-style: chr1-11237996-T-C. GRCh37 (hg19) VCF-style: chr1-11298053-T-C.
Other names: c.2055A>G, p.Ala685= (NM_001386500.1); c.807A>G, p.Ala269= (NM_001386501.1).
Identifiers: ClinVar variation 1643763 (VCV001643763.13), dbSNP rs2100898957, ClinGen allele CA415922641.

ClinVar aggregate classification (germline): Likely benign. Review status: criteria provided, multiple submitters, no conflicts (2 of 4 stars). 2 submissions from 2 submitters: Likely benign (2). Last evaluated 2025-12-01.

gnomAD v4.1: 3 of 1,614,190 alleles (0.00019%); highest among the groups gnomAD compares: Non-Finnish European, 0.00017%; no homozygotes.

Submissions (2):

CeGaT Center for Human Genetics Tuebingen
Classification: Likely benign. Last evaluated: 2025-12-01. Review status: criteria provided, single submitter. Criteria: CeGaT Center For Human Genetics Tuebingen Variant Classification Criteria Version 2. Collection method: clinical testing. Allele origin: germline. Affected: yes. Observed: 1 variant allele.
Comment: MTOR: BP4, BP7

Labcorp Genetics (formerly Invitae), Labcorp
Classification: Likely benign. Last evaluated: 2025-05-12. Review status: criteria provided, single submitter. Criteria: Invitae Variant Classification Sherloc (09022015). Collection method: clinical testing. Allele origin: germline.